The following is an entry in ClinVar:

NM_020297.4(ABCC9):c.2769+3A>G

Gene: ABCC9 (ATP binding cassette subfamily C member 9; minus strand). Cytogenetic location: 12p12.1.
Variant type: single nucleotide variant.
Coding change: c.2769+3A>G on transcript NM_020297.4 (MANE Select); 3 bases into the intron after coding-DNA position 2769, A replaced by G.
Molecular consequence: intron variant.
Genome position (GRCh38, 1-based): chr12:21,852,094, T>C on the plus strand (A>G on the coding strand, the complement: ABCC9 is on the minus strand). VCF-style: chr12-21852094-T-C. GRCh37 (hg19) VCF-style: chr12-22005028-T-C.
Other names: c.1902+3A>G (NM_001377274.1); c.2769+3A>G (NM_005691.4, NM_001377273.1).
Identifiers: ClinVar variation 1378673 (VCV001378673.6), dbSNP rs2137440645, ClinGen allele CA2573148548.

ClinVar aggregate classification (germline): Uncertain significance (1 of 4 stars; one submission).

Conditions:
Dilated cardiomyopathy 1O (CMD1O). Also called: CARDIOMYOPATHY, DILATED, WITH VENTRICULAR TACHYCARDIA. Identifiers: Orphanet 154, MedGen C1837839, MONDO:0012062, OMIM 608569.

Submission:

Labcorp Genetics (formerly Invitae), Labcorp
Classification: Uncertain significance for Dilated cardiomyopathy 1O. Last evaluated: 2021-08-30. Review status: criteria provided, single submitter. Criteria: Invitae Variant Classification Sherloc (09022015). Collection method: clinical testing. Allele origin: germline.
Comment: This variant is not present in population databases (ExAC no frequency). This sequence change falls in intron 22 of the ABCC9 gene. It does not directly change the encoded amino acid sequence of the ABCC9 protein. It affects a nucleotide within the consensus splice site of the intron. This variant has not been reported in the literature in individuals affected with ABCC9-related conditions. Variants that disrupt the consensus splice site are a relatively common cause of aberrant splicing (PMID: 17576681, 9536098). Algorithms developed to predict the effect of sequence changes on RNA splicing suggest that this variant is not likely to affect RNA splicing. In summary, the available evidence is currently insufficient to determine the role of this variant in disease. Therefore, it has been classified as a Variant of Uncertain Significance.

Literature cited by the submitters: PubMed 17576681; PubMed 9536098.